The following is an entry in ClinVar:

ClinVar aggregate classification (germline): Uncertain significance (1 of 4 stars; one submission).

Submission:

GeneDx
Classification: Uncertain significance. Last evaluated: 2024-07-15. Review status: criteria provided, single submitter. Criteria: GeneDx Variant Classification Process June 2021. Collection method: clinical testing. Allele origin: germline. Affected: yes.
Comment: Not observed at significant frequency in large population cohorts (gnomAD); In-frame deletion of 1 amino acids in a non-repeat region; In silico analysis indicates that this variant does not alter protein structure/function; Has not been previously published as pathogenic or benign to our knowledge

NM_020922.5(WNK3):c.4080_4082del (p.Phe1361del)

Gene: WNK3 (WNK lysine deficient protein kinase 3; minus strand). Cytogenetic location: Xp11.22.
Variant type: Deletion.
Coding change: c.4080_4082del on transcript NM_020922.5 (MANE Select); coding-DNA positions 4080 to 4082, 3 bases deleted (GTT; older notation c.4080_4082delGTT).
Protein change: p.Phe1361del; deletes phenylalanine 1361.
Molecular consequence: inframe deletion. On other transcripts: inframe indel (1).
Genome position (GRCh38, 1-based): chrX:54,237,484-54,237,486, AAC deleted on the plus strand (GTT on the coding strand, the reverse complement: WNK3 is on the minus strand); deleting any 3 consecutive bases within chrX:54,237,484-54,237,487 gives the same sequence; the c. name uses the placement nearest the transcript's 3' end. VCF-style (leftmost placement, unchanged base first): chrX-54237483-GAAC-G. GRCh37 (hg19) VCF-style: chrX-54263916-GAAC-G.
Other names: c.3939_3941del, p.Phe1314del (NM_001002838.4, NM_001395166.1); c.4079_4081delTGT, p.Phe1361del (NM_020922.4); short protein forms F1314del, F1361del.
Identifiers: ClinVar variation 3573546 (VCV003573546.1).
Genomic context (GRCh38, chrX:54,237,483, plus strand): 5'-TACCAACTGAGACTTTGCTGTTTTAATAAAGGCTTCTTCACTAGAATGGTTTGTCTCACT[GAAC>G]ACTGATATGTGTTCTATTCCAAAAGATGTCATTTTTGCTGACTGCTGCTGAGGAATTGTA-3'